The following is an entry in ClinVar:

NM_004360.5(CDH1):c.445C>G (p.Leu149Val)

Gene: CDH1 (cadherin 1; plus strand). Cytogenetic location: 16q22.1.
Variant type: single nucleotide variant.
Coding change: c.445C>G on transcript NM_004360.5 (MANE Select); coding-DNA position 445, C replaced by G.
Protein change: p.Leu149Val; replaces leucine 149 with valine.
Molecular consequence: missense variant. On other transcripts: 5 prime UTR variant (2).
Genome position (GRCh38, 1-based): chr16:68,808,481, C>G. VCF-style: chr16-68808481-C-G. GRCh37 (hg19) VCF-style: chr16-68842384-C-G.
Other names: c.445C>G, p.Leu149Val (NM_001317184.2); c.-1171C>G (NM_001317185.2); c.-1375C>G (NM_001317186.2); short protein forms L149V.
Identifiers: ClinVar variation 1005809 (VCV001005809.10), dbSNP rs876658781, ClinGen allele CA396457630.
Genomic context (GRCh38, chr16:68,808,481, plus strand): 5'-TAGGCCTCCGTTTCTGGAATCCAAGCAGAATTGCTCACATTTCCCAACTCCTCTCCTGGC[C>G]TCAGAAGACAGAAGAGAGACTGGGTTATTCCTCCCATCAGCTGCCCAGAAAATGAAAAAG-3'
Protein context (NP_004351.1, residues 139-159): LLTFPNSSPG[Leu149Val]RRQKRDWVIP

ClinVar aggregate classification (germline): Uncertain significance. Review status: criteria provided, multiple submitters, no conflicts (2 of 4 stars). 2 submissions from 2 submitters: Uncertain significance (2). Last evaluated 2024-09-03.

Conditions:
Hereditary diffuse gastric adenocarcinoma (HDGC). Also called: DIFFUSE GASTRIC AND LOBULAR BREAST CANCER SYNDROME. Identifiers: Orphanet 26106, MedGen C1708349, MONDO:0007648, OMIM 137215.

Allele frequency attached by ClinVar (database versions not stated): gnomAD exomes below 0.00001.
gnomAD v4.1: 1 of 1,613,956 alleles (0.000062%); no homozygotes.

Submissions (2):

Blueprint Genetics
Classification: Uncertain significance. Last evaluated: 2024-09-03. Review status: criteria provided, single submitter. Criteria: ACMG Guidelines, 2015. Collection method: clinical testing. Allele origin: germline.

Labcorp Genetics (formerly Invitae), Labcorp
Classification: Uncertain significance for Hereditary diffuse gastric adenocarcinoma. Last evaluated: 2023-05-15. Review status: criteria provided, single submitter. Criteria: Invitae Variant Classification Sherloc (09022015). Collection method: clinical testing. Allele origin: germline.
Comment: This sequence change replaces leucine, which is neutral and non-polar, with valine, which is neutral and non-polar, at codon 149 of the CDH1 protein (p.Leu149Val). This variant is not present in population databases (gnomAD no frequency). This variant has not been reported in the literature in individuals affected with CDH1-related conditions. ClinVar contains an entry for this variant (Variation ID: 1005809). An algorithm developed to predict the effect of missense changes on protein structure and function (PolyPhen-2) suggests that this variant is likely to be disruptive. In summary, the available evidence is currently insufficient to determine the role of this variant in disease. Therefore, it has been classified as a Variant of Uncertain Significance.